The following is an entry in ClinVar:

ClinVar aggregate classification (germline): Uncertain significance (1 of 4 stars; one submission).

Conditions:
Hereditary spastic paraplegia 11. Also called: SPASTIC PARAPLEGIA, AUTOSOMAL RECESSIVE, COMPLICATED, WITH THIN CORPUS CALLOSUM; SPASTIC PARAPLEGIA, AUTOSOMAL RECESSIVE, WITH MENTAL IMPAIRMENT AND THIN CORPUS CALLOSUM; Spastic Paraplegia 11; Spastic paraplegia, mental retardation and thin corpus callosum; Nakamura Osame syndrome; Autosomal recessive hereditary spastic paraplegia, mental impairment, and thin corpus callosum. Identifiers: Orphanet 2822, MedGen C1858479, MONDO:0011445, OMIM 604360.

Submission:

Labcorp Genetics (formerly Invitae), Labcorp
Classification: Uncertain significance for Hereditary spastic paraplegia 11. Last evaluated: 2024-04-06. Review status: criteria provided, single submitter. Criteria: Invitae Variant Classification Sherloc (09022015). Collection method: clinical testing. Allele origin: germline.
Comment: This sequence change replaces asparagine, which is neutral and polar, with lysine, which is basic and polar, at codon 1850 of the SPG11 protein (p.Asn1850Lys). This variant is present in population databases (rs774699431, gnomAD 0.0009%). This variant has not been reported in the literature in individuals affected with SPG11-related conditions. Advanced modeling of protein sequence and biophysical properties (such as structural, functional, and spatial information, amino acid conservation, physicochemical variation, residue mobility, and thermodynamic stability) performed at Invitae indicates that this missense variant is not expected to disrupt SPG11 protein function with a negative predictive value of 80%. In summary, the available evidence is currently insufficient to determine the role of this variant in disease. Therefore, it has been classified as a Variant of Uncertain Significance.

NM_025137.4(SPG11):c.5550C>G (p.Asn1850Lys)

Gene: SPG11 (SPG11 vesicle trafficking associated, spatacsin; minus strand). Cytogenetic location: 15q21.1.
Variant type: single nucleotide variant.
Coding change: c.5550C>G on transcript NM_025137.4 (MANE Select); coding-DNA position 5550, C replaced by G.
Protein change: p.Asn1850Lys; replaces asparagine 1850 with lysine.
Molecular consequence: missense variant.
Genome position (GRCh38, 1-based): chr15:44,584,130, G>C on the plus strand (C>G on the coding strand, the complement: SPG11 is on the minus strand). VCF-style: chr15-44584130-G-C. GRCh37 (hg19) VCF-style: chr15-44876328-G-C.
Other names: c.5550C>G, p.Asn1850Lys (NM_001160227.2); c.5406C>G, p.Asn1802Lys (NM_001411132.1); short protein forms N1802K, N1850K.
Identifiers: ClinVar variation 3666292 (VCV003666292.2).